The following is an entry in ClinVar:

NM_000286.3(PEX12):c.16G>A (p.Ala6Thr)

Gene: PEX12 (peroxisomal biogenesis factor 12; minus strand). Cytogenetic location: 17q12.
Variant type: single nucleotide variant.
Coding change: c.16G>A on transcript NM_000286.3 (MANE Select); coding-DNA position 16, G replaced by A.
Protein change: p.Ala6Thr; replaces alanine 6 with threonine.
Molecular consequence: missense variant.
Genome position (GRCh38, 1-based): chr17:35,578,006, C>T on the plus strand (G>A on the coding strand, the complement: PEX12 is on the minus strand). VCF-style: chr17-35578006-C-T. GRCh37 (hg19) VCF-style: chr17-33905025-C-T.
Other names: short protein forms A6T.
Identifiers: ClinVar variation 1412314 (VCV001412314.8), dbSNP rs1344931108, ClinGen allele CA399139047.

ClinVar aggregate classification (germline): Uncertain significance (1 of 4 stars; one submission).

Conditions:
Peroxisome biogenesis disorder 3A (Zellweger). Also called: PEROXISOMAL BIOGENESIS DISORDER 3A (ZELLWEGER); Peroxisome biogenesis disorder 3A. Identifiers: Orphanet 912, MedGen C3553929, MONDO:0013927, OMIM 614859.

Submission:

Labcorp Genetics (formerly Invitae), Labcorp
Classification: Uncertain significance for Peroxisome biogenesis disorder 3A (Zellweger). Last evaluated: 2021-07-13. Review status: criteria provided, single submitter. Criteria: Invitae Variant Classification Sherloc (09022015). Collection method: clinical testing. Allele origin: germline.
Comment: In summary, the available evidence is currently insufficient to determine the role of this variant in disease. Therefore, it has been classified as a Variant of Uncertain Significance. Algorithms developed to predict the effect of missense changes on protein structure and function are either unavailable or do not agree on the potential impact of this missense change (SIFT: "Deleterious"; PolyPhen-2: "Probably Damaging"; Align-GVGD: "Class C0"). This variant has not been reported in the literature in individuals affected with PEX12-related conditions. This variant is not present in population databases (ExAC no frequency). This sequence change replaces alanine with threonine at codon 6 of the PEX12 protein (p.Ala6Thr). The alanine residue is highly conserved and there is a small physicochemical difference between alanine and threonine.